The following is an entry in ClinVar:

ClinVar aggregate classification (germline): Uncertain significance (1 of 4 stars; one submission).

Conditions:
Inborn genetic diseases. Identifiers: MedGen C0950123, MeSH D030342.

Submission:

Ambry Genetics
Classification: Uncertain significance for Inborn genetic diseases. Last evaluated: 2021-12-11. Review status: criteria provided, single submitter. Criteria: Ambry Variant Classification Scheme 2023. Collection method: clinical testing. Allele origin: germline.
Comment: The p.K101R variant (also known as c.302A>G), located in coding exon 5 of the ERCC2 gene, results from an A to G substitution at nucleotide position 302. The lysine at codon 101 is replaced by arginine, an amino acid with highly similar properties. This amino acid position is conserved. In addition, this alteration is predicted to be tolerated by in silico analysis. Since supporting evidence is limited at this time, the clinical significance of this alteration remains unclear.

NM_000400.4(ERCC2):c.302A>G (p.Lys101Arg)

Gene: ERCC2 (ERCC excision repair 2, TFIIH core complex helicase subunit; minus strand). Cytogenetic location: 19q13.32.
Variant type: single nucleotide variant.
Coding change: c.302A>G on transcript NM_000400.4 (MANE Select); coding-DNA position 302, A replaced by G.
Protein change: p.Lys101Arg; replaces lysine 101 with arginine.
Molecular consequence: missense variant.
Genome position (GRCh38, 1-based): chr19:45,368,688, T>C on the plus strand (A>G on the coding strand, the complement: ERCC2 is on the minus strand). VCF-style: chr19-45368688-T-C. GRCh37 (hg19) VCF-style: chr19-45871946-T-C.
Other names: c.230A>G, p.Lys77Arg (NM_001130867.2); short protein forms K101R, K77R.
Identifiers: ClinVar variation 1799004 (VCV001799004.2), dbSNP rs201123342, ClinGen allele CA406378459.